The following is an entry in ClinVar:

ClinVar aggregate classification (germline): Pathogenic (1 of 4 stars; one submission).

Conditions:
Fructose-biphosphatase deficiency (FBP1D). Also called: Fructose 1,6 Bisphosphatase Deficiency; Fructose-1,6-Bisphosphatase 1 Deficiency; Fructose-1,6-Diphosphatase Deficiency. Identifiers: Orphanet 348, MedGen C0016756, MONDO:0009251, OMIM 229700.

Submission:

Labcorp Genetics (formerly Invitae), Labcorp
Classification: Pathogenic for Fructose-biphosphatase deficiency. Last evaluated: 2023-11-04. Review status: criteria provided, single submitter. Criteria: Invitae Variant Classification Sherloc (09022015). Collection method: clinical testing. Allele origin: germline.
Comment: This sequence change creates a premature translational stop signal (p.Ala44Aspfs*25) in the FBP1 gene. It is expected to result in an absent or disrupted protein product. Loss-of-function variants in FBP1 are known to be pathogenic (PMID: 9382095, 19259699, 27101822). This variant is not present in population databases (gnomAD no frequency). This variant has not been reported in the literature in individuals affected with FBP1-related conditions. For these reasons, this variant has been classified as Pathogenic.

Literature cited by the submitters: PubMed 9382095; PubMed 19259699; PubMed 27101822.

NM_000507.4(FBP1):c.131_132del (p.Ala44fs)

Gene: FBP1 (fructose-bisphosphatase 1; minus strand). Cytogenetic location: 9q22.32.
Variant type: Deletion.
Coding change: c.131_132del on transcript NM_000507.4 (MANE Select); coding-DNA positions 131 to 132, 2 bases deleted (CC; older notation c.131_132delCC).
Protein change: p.Ala44fs; shifts the reading frame from alanine 44.
Molecular consequence: frameshift variant.
Genome position (GRCh38, 1-based): chr9:94,639,179-94,639,180, GG deleted on the plus strand (CC on the coding strand, the reverse complement: FBP1 is on the minus strand). VCF-style (leftmost placement, unchanged base first): chr9-94639178-TGG-T. GRCh37 (hg19) VCF-style: chr9-97401460-TGG-T.
Other names: c.131_132del, p.Ala44fs (NM_001127628.2); short protein forms A44fs.
Identifiers: ClinVar variation 2772871 (VCV002772871.3), dbSNP rs2538965613, ClinGen allele CA2697557882.
Genomic context (GRCh38, chr9:94,639,178, plus strand): 5'-CCACCGCCCAAGGCCCGACTCACAGGTGCGCGATGCCCGCCTTGCGCACCGCCGAAGAGA[TGG>T]CTTTGACTGCTGTGCAGAGCGAGTTGAGCAGCTGGGTCAACTCGCCCGTGCCGCGGGCCT-3'